The following is an entry in ClinVar:

NM_016630.7(SPG21):c.115C>A (p.Pro39Thr)

Gene: SPG21 (SPG21 abhydrolase domain containing, maspardin; minus strand). Cytogenetic location: 15q22.31.
Variant type: single nucleotide variant.
Coding change: c.115C>A on transcript NM_016630.7 (MANE Select); coding-DNA position 115, C replaced by A.
Protein change: p.Pro39Thr; replaces proline 39 with threonine.
Molecular consequence: missense variant.
Genome position (GRCh38, 1-based): chr15:64,980,974, G>T on the plus strand (C>A on the coding strand, the complement: SPG21 is on the minus strand). VCF-style: chr15-64980974-G-T. GRCh37 (hg19) VCF-style: chr15-65273312-G-T.
Other names: c.115C>A, p.Pro39Thr (NM_001127889.5, NM_001127890.5); short protein forms P39T.
Identifiers: ClinVar variation 2442442 (VCV002442442.1), dbSNP rs767994705, ClinGen allele CA392875800.

ClinVar aggregate classification (germline): Uncertain significance (1 of 4 stars; one submission).

Allele frequency attached by ClinVar (database versions not stated): gnomAD exomes below 0.00001.

Submission:

GeneDx
Classification: Uncertain significance. Last evaluated: 2022-08-30. Review status: criteria provided, single submitter. Criteria: GeneDx Variant Classification Process June 2021. Collection method: clinical testing. Allele origin: germline. Affected: yes.
Comment: Not observed at significant frequency in large population cohorts (gnomAD); In silico analysis supports that this missense variant has a deleterious effect on protein structure/function; Has not been previously published as pathogenic or benign to our knowledge